The following is an entry in ClinVar:

ClinVar aggregate classification (germline): Pathogenic (1 of 4 stars; one submission).

Conditions:
Leigh syndrome (NULS). Also called: Leigh's necrotizing encephalopathy; Leigh's disease; Leigh Syndrome (mtDNA deletion); Leigh Disease; Subacute necrotizing encephalopathy; Necrotizing encephalopathy infantile subacute of Leigh. Identifiers: Orphanet 506, MedGen C2931891, MONDO:0009723, OMIM 256000.

Allele frequency attached by ClinVar (database versions not stated): gnomAD exomes below 0.00001.

Submission:

Labcorp Genetics (formerly Invitae), Labcorp
Classification: Pathogenic for Leigh syndrome. Last evaluated: 2024-10-21. Review status: criteria provided, single submitter. Criteria: Invitae Variant Classification Sherloc (09022015). Collection method: clinical testing. Allele origin: germline.
Comment: This sequence change creates a premature translational stop signal (p.Ser158Glufs*22) in the SURF1 gene. It is expected to result in an absent or disrupted protein product. Loss-of-function variants in SURF1 are known to be pathogenic (PMID: 10443880, 22488715, 24027061). This variant is not present in population databases (gnomAD no frequency). This variant has not been reported in the literature in individuals affected with SURF1-related conditions. For these reasons, this variant has been classified as Pathogenic.

Literature cited by the submitters: PubMed 10443880; PubMed 22488715; PubMed 24027061.

NM_003172.4(SURF1):c.470dup (p.Ser158fs)

Gene: SURF1 (SURF1 cytochrome c oxidase assembly factor; minus strand). Cytogenetic location: 9q34.2.
Variant type: Duplication.
Coding change: c.470dup on transcript NM_003172.4 (MANE Select); coding-DNA position 470, one base duplicated (A; older notation c.470dupA).
Protein change: p.Ser158fs; shifts the reading frame from serine 158.
Molecular consequence: frameshift variant.
Genome position (GRCh38, 1-based): chr9:133,353,794, T duplicated on the plus strand (A on the coding strand, the reverse complement: SURF1 is on the minus strand). VCF-style (leftmost placement, unchanged base first): chr9-133353793-C-CT. GRCh37 (hg19) VCF-style: chr9-136220648-C-CT.
Other names: c.143dup, p.Ser49fs (NM_001280787.1); short protein forms S49fs, S158fs.
Identifiers: ClinVar variation 2863720 (VCV002863720.3), dbSNP rs2490619546, ClinGen allele CA2692340462.
Genomic context (GRCh38, chr9:133,353,793, plus strand): 5'-CACATGTCCTACTCACCCCAGGTCGGTGCAGTGGAAGGGAGTGACCACATAGGCCCCACT[C>CT]TGAGTTGAGGAGGAGATGAGGCCGCCCTCCCGGGCCTCCCGGACAGGGTCCACCATGGTC-3'